The following is an entry in ClinVar:

ClinVar aggregate classification (germline): Uncertain significance (1 of 4 stars; one submission).

Conditions:
Early-infantile DEE. Also called: Early infantile epileptic encephalopathy with suppression bursts; Early infantile epileptic encephalopathy; Ohtahara syndrome. Identifiers: Orphanet 1934, MedGen C0393706, MONDO:0800491.

Allele frequency attached by ClinVar (database versions not stated): TOPMed 0.00008.
gnomAD v4.1: 97 of 1,613,550 alleles (0.006%); highest among the groups gnomAD compares: Middle Eastern, 0.016%; no homozygotes.

Submission:

Labcorp Genetics (formerly Invitae), Labcorp
Classification: Uncertain significance for Early-infantile DEE. Last evaluated: 2025-08-25. Review status: criteria provided, single submitter. Criteria: Invitae Variant Classification Sherloc (09022015). Collection method: clinical testing. Allele origin: germline.
Comment: This sequence change replaces glycine, which is neutral and non-polar, with arginine, which is basic and polar, at codon 649 of the ARHGEF15 protein (p.Gly649Arg). This variant is present in population databases (rs775161160, gnomAD 0.01%). This variant has not been reported in the literature in individuals affected with ARHGEF15-related conditions. ClinVar contains an entry for this variant (Variation ID: 1010333). An algorithm developed to predict the effect of missense changes on protein structure and function (PolyPhen-2) suggests that this variant is likely to be tolerated. In summary, the available evidence is currently insufficient to determine the role of this variant in disease. Therefore, it has been classified as a Variant of Uncertain Significance.

NM_173728.4(ARHGEF15):c.1945G>C (p.Gly649Arg)

Gene: ARHGEF15 (Rho guanine nucleotide exchange factor 15; plus strand). Cytogenetic location: 17p13.1.
Variant type: single nucleotide variant.
Coding change: c.1945G>C on transcript NM_173728.4 (MANE Select); coding-DNA position 1945, G replaced by C.
Protein change: p.Gly649Arg; replaces glycine 649 with arginine.
Molecular consequence: missense variant.
Genome position (GRCh38, 1-based): chr17:8,318,822, G>C. VCF-style: chr17-8318822-G-C. GRCh37 (hg19) VCF-style: chr17-8222140-G-C.
Other names: c.1945G>C, p.Gly649Arg (NM_025014.2); short protein forms G649R.
Identifiers: ClinVar variation 1010333 (VCV001010333.9), dbSNP rs775161160, ClinGen allele CA8375363.